The following is an entry in ClinVar:

NM_006087.4(TUBB4A):c.*69C>G

Gene: TUBB4A (tubulin beta 4A class IVa; minus strand). Cytogenetic location: 19p13.3.
Variant type: single nucleotide variant.
Coding change: c.*69C>G on transcript NM_006087.4 (MANE Select); 69 bases downstream of the stop codon, C replaced by G.
Molecular consequence: 3 prime UTR variant.
Genome position (GRCh38, 1-based): chr19:6,495,095, G>C on the plus strand (C>G on the coding strand, the complement: TUBB4A is on the minus strand). VCF-style: chr19-6495095-G-C. GRCh37 (hg19) VCF-style: chr19-6495106-G-C.
Other names: c.*69C>G (NM_001289123.2, NM_001289127.2, NM_001289129.2 and 2 more transcripts).
Identifiers: ClinVar variation 894183 (VCV000894183.4), dbSNP rs564748070, ClinGen allele CA304774970.
Genomic context (GRCh38, chr19:6,495,095, plus strand): 5'-AGGTATTGTTAGGGTCAGCGGGGAGTCAGCCTTGGAGGGAAAGCGGGGCTCTAGGGTTCA[G>C]AGATGGGGGGCCTAGCGGATCAAAGGTCAGAAGCCTCGAGGGGACAGGTGGGAAGCGATG-3'

ClinVar aggregate classification (germline): Benign. Review status: criteria provided, single submitter (1 of 4 stars). 2 submissions from 1 submitter: Benign (2). Last evaluated 2017-04-27.

Conditions:
Torsion dystonia 4. Also called: DYT-TUBB4A (Autosomal Dominant Torsion Dystonia); DYSTONIA MUSCULORUM DEFORMANS 4. Identifiers: Orphanet 98805, MedGen C1851943, MONDO:0007493, OMIM 128101.
Leukodystrophy, hypomyelinating, 6. Also called: LEUKODYSTROPHY, HYPOMYELINATING, WITH ATROPHY OF THE BASAL GANGLIA AND CEREBELLUM; TUBB4A-Associated Leukodystrophy; Hypomyelination with Atrophy of Basal Ganglia and Cerebellum (H-ABC). Identifiers: Orphanet 139441, MedGen C2676244, MONDO:0012905, OMIM 612438.

Allele frequency attached by ClinVar (database versions not stated): TOPMed 0.00064; 1000 Genomes Project 0.00100; 1000 Genomes Project 30x 0.00109.

Submissions (2):

Illumina Laboratory Services, Illumina
Classification: Benign for Leukodystrophy, hypomyelinating, 6. Last evaluated: 2017-04-27. Review status: criteria provided, single submitter. Criteria: ICSL Variant Classification Criteria 13 December 2019. Collection method: clinical testing. Allele origin: germline.
Comment: This variant was observed as part of a predisposition screen in an ostensibly healthy population. A literature search was performed for the gene, cDNA change, and amino acid change (where applicable). No publications were found based on this search. Allele frequency data from public databases was too high to be consistent with this variant causing disease. Therefore, this variant is classified as benign.

Illumina Laboratory Services, Illumina
Classification: Benign for Torsion dystonia 4. Last evaluated: 2017-04-27. Review status: criteria provided, single submitter. Criteria: ICSL Variant Classification Criteria 13 December 2019. Collection method: clinical testing. Allele origin: germline.
Comment: the same text as in the submission from Illumina Laboratory Services, Illumina above.